The following is an entry in ClinVar:

NM_198859.4(PRICKLE2):c.2234A>G (p.Tyr745Cys)

Genes: PRICKLE2 (prickle planar cell polarity protein 2; minus strand), PRICKLE2-AS1 (PRICKLE2 antisense RNA 1; plus strand). Cytogenetic location: 3p14.1.
Variant type: single nucleotide variant.
Coding change: c.2234A>G on transcript NM_198859.4 (MANE Select); coding-DNA position 2234, A replaced by G.
Protein change: p.Tyr745Cys; replaces tyrosine 745 with cysteine.
Molecular consequence: missense variant. On other transcripts: non-coding transcript variant (1).
Genome position (GRCh38, 1-based): chr3:64,099,352, T>C on the plus strand (A>G on the coding strand, the complement: PRICKLE2 is on the minus strand). VCF-style: chr3-64099352-T-C. GRCh37 (hg19) VCF-style: chr3-64085028-T-C.
Other names: c.2234A>G, p.Tyr745Cys (NM_001370528.1); short protein forms Y745C.
Identifiers: ClinVar variation 1383472 (VCV001383472.6), dbSNP rs1387331875, ClinGen allele CA353426495.
Genomic context (GRCh38, chr3:64,099,352, plus strand): 5'-CAGCGGTCCCCAAAGGCATTCTGCAAAGCCAGGTCCGACACAGTCCTAGGGCACTGGCCG[T>C]ACAGGTCCCTCCGGGACCCATGCCCCATGCTCTCCTGGAAGCTCCGCTGGCGCATAAATT-3'
Protein context (NP_942559.1, residues 735-755): SMGHGSRRDL[Tyr745Cys]GQCPRTVSDL

ClinVar aggregate classification (germline): Uncertain significance (1 of 4 stars; one submission).

Conditions:
Progressive myoclonic epilepsy type 5. Identifiers: Orphanet 402082, MedGen C5190799.

Allele frequency attached by ClinVar (database versions not stated): gnomAD exomes below 0.00001 and 0.00001.
gnomAD v4.1: 10 of 1,614,138 alleles (0.00062%); highest among the groups gnomAD compares: Admixed American, 0.0033%; no homozygotes.

Submission:

Labcorp Genetics (formerly Invitae), Labcorp
Classification: Uncertain significance for Progressive myoclonic epilepsy type 5. Last evaluated: 2024-02-24. Review status: criteria provided, single submitter. Criteria: Invitae Variant Classification Sherloc (09022015). Collection method: clinical testing. Allele origin: germline.
Comment: This sequence change replaces tyrosine, which is neutral and polar, with cysteine, which is neutral and slightly polar, at codon 745 of the PRICKLE2 protein (p.Tyr745Cys). This variant is present in population databases (no rsID available, gnomAD 0.0009%). This variant has not been reported in the literature in individuals affected with PRICKLE2-related conditions. ClinVar contains an entry for this variant (Variation ID: 1383472). Advanced modeling of protein sequence and biophysical properties (such as structural, functional, and spatial information, amino acid conservation, physicochemical variation, residue mobility, and thermodynamic stability) performed at Invitae indicates that this missense variant is not expected to disrupt PRICKLE2 protein function with a negative predictive value of 80%. In summary, the available evidence is currently insufficient to determine the role of this variant in disease. Therefore, it has been classified as a Variant of Uncertain Significance.